The following is an entry in ClinVar:

NM_006648.4(WNK2):c.4121G>A (p.Ser1374Asn)

Gene: WNK2 (WNK lysine deficient protein kinase 2; plus strand). Cytogenetic location: 9q22.31.
Variant type: single nucleotide variant.
Coding change: c.4121G>A on transcript NM_006648.4 (MANE Select); coding-DNA position 4121, G replaced by A.
Protein change: p.Ser1374Asn; replaces serine 1374 with asparagine.
Molecular consequence: missense variant.
Genome position (GRCh38, 1-based): chr9:93,288,875, G>A. VCF-style: chr9-93288875-G-A. GRCh37 (hg19) VCF-style: chr9-96051157-G-A.
Other names: c.4232G>A, p.Ser1411Asn (NM_001282394.3); short protein forms S1411N, S1374N.
Identifiers: ClinVar variation 4201526 (VCV004201526.1).

ClinVar aggregate classification (germline): Uncertain significance (1 of 4 stars; one submission).

gnomAD v4.1: 1 of 1,611,620 alleles (0.000062%); highest among the groups gnomAD compares: East Asian, 0.0022%; no homozygotes.

Submission:

Ambry Genetics
Classification: Uncertain significance. Last evaluated: 2025-06-21. Review status: criteria provided, single submitter. Criteria: Ambry Variant Classification Scheme 2023. Collection method: clinical testing. Allele origin: germline.
Comment: The p.S1374N variant (also known as c.4121G>A), located in coding exon 19 of the WNK2 gene, results from a G to A substitution at nucleotide position 4121. The serine at codon 1374 is replaced by asparagine, an amino acid with highly similar properties. This amino acid position is conserved. In addition, this alteration is predicted to be tolerated by in silico analysis. Based on the available evidence, the clinical significance of this variant remains unclear.